The following is an entry in ClinVar:

ClinVar aggregate classification (germline): Conflicting classifications of pathogenicity. Review status: criteria provided, conflicting classifications (1 of 4 stars). 3 submissions from 3 submitters: Uncertain significance (1); Likely benign (1). 1 of the submissions does not count toward it. Last evaluated 2025-11-05.

Conditions:
CREBBP-related disorder. Also called: CREBBP-related condition; CREBBP-related disorders.
Rubinstein-Taybi syndrome (RSTS). Identifiers: Orphanet 783, MedGen C0035934, MONDO:0019188.
Rubinstein-Taybi syndrome due to CREBBP mutations (RSTS1). Also called: Rubinstein-Taybi syndrome 1; BROAD THUMBS AND GREAT TOES, CHARACTERISTIC FACIES, AND IMPAIRED INTELLECTUAL DEVELOPMENT; RUBINSTEIN-TAYBI SYNDROME 1, INCOMPLETE; RUBINSTEIN SYNDROME; BROAD THUMB-HALLUX SYNDROME; CREBBP-Related Rubinstein-Taybi Syndrome. Identifiers: Orphanet 353277, Orphanet 783, MedGen C4551859, MONDO:0008393, OMIM 180849.

Allele frequency attached by ClinVar (database versions not stated): gnomAD exomes below 0.00001 and 0.00001; TOPMed below 0.00001; ExAC 0.00001.
gnomAD v4.1: 3 of 1,613,798 alleles (0.00019%); highest among the groups gnomAD compares: Admixed American, 0.005%; no homozygotes.

Submissions (3):

Labcorp Genetics (formerly Invitae), Labcorp
Classification: Likely benign for Rubinstein-Taybi syndrome. Last evaluated: 2025-11-05. Review status: criteria provided, single submitter. Criteria: Invitae Variant Classification Sherloc (09022015). Collection method: clinical testing. Allele origin: germline.

New York Genome Center
Classification: Uncertain significance for Rubinstein-Taybi syndrome due to CREBBP mutations. Last evaluated: 2020-05-12. Review status: criteria provided, single submitter. Criteria: NYGC Assertion Criteria 2020. Collection method: clinical testing. Allele origin: germline. Observed: 1 heterozygote. Study: CSER-NYCKidSeq.
Comment: The c.6839G>A (p.Gly2280Glu) variant identified in the CREBBP gene substitutes a very well conserved Glycine for Glutamic Acid at amino acid 2280/2443 (coding exon 31/31). This variant is absent from gnomAD (v3.0) suggesting it is not a common benign variant in the populations represented in that database. In silico algorithms predict this variant to be Deleterious (Provean; score:-3.56) and Damaging (SIFT; score:0.001) to the function of the canonical transcript. This variant is absent from ClinVar and to our current knowledge has notbeen reported in affected individuals in the literature. The p.Gly2280 residue is not within a mapped domain of CREBBP (UniProtKB: Q92793). Given the lack of compelling evidence for its pathogenicity, the c.6839G>A (p.Gly2280Glu) variant identified in the CREBBP gene is reported here as a Variant of Uncertain Significance.

PreventionGenetics, part of Exact Sciences
Classification: Uncertain significance for CREBBP-related condition. Last evaluated: 2024-03-12. Review status: no assertion criteria provided. Collection method: clinical testing. Allele origin: germline. Not counted in ClinVar's aggregate classification.
Comment: The CREBBP c.6839G>A variant is predicted to result in the amino acid substitution p.Gly2280Glu. To our knowledge, this variant has not been reported in the literature. This variant is reported in 0.0029% of alleles in individuals of Latino descent in gnomAD. At this time, the clinical significance of this variant is uncertain due to the absence of conclusive functional and genetic evidence.

NM_004380.3(CREBBP):c.6839G>A (p.Gly2280Glu)

Gene: CREBBP (CREB binding lysine acetyltransferase; minus strand). Cytogenetic location: 16p13.3.
Variant type: single nucleotide variant.
Coding change: c.6839G>A on transcript NM_004380.3 (MANE Select); coding-DNA position 6839, G replaced by A.
Protein change: p.Gly2280Glu; replaces glycine 2280 with glutamic acid.
Molecular consequence: missense variant.
Genome position (GRCh38, 1-based): chr16:3,728,208, C>T on the plus strand (G>A on the coding strand, the complement: CREBBP is on the minus strand). VCF-style: chr16-3728208-C-T. GRCh37 (hg19) VCF-style: chr16-3778209-C-T.
Other names: c.6725G>A, p.Gly2242Glu (NM_001079846.1); short protein forms G2242E, G2280E.
Identifiers: ClinVar variation 1098614 (VCV001098614.7), dbSNP rs781438241, ClinGen allele CA7868985.